The following is an entry in ClinVar:

NM_000352.6(ABCC8):c.1969C>T (p.Arg657Trp)

Gene: ABCC8 (ATP binding cassette subfamily C member 8; minus strand). Cytogenetic location: 11p15.1.
Variant type: single nucleotide variant.
Coding change: c.1969C>T on transcript NM_000352.6 (MANE Select); coding-DNA position 1969, C replaced by T.
Protein change: p.Arg657Trp; replaces arginine 657 with tryptophan.
Molecular consequence: missense variant. On other transcripts: non-coding transcript variant (1).
Genome position (GRCh38, 1-based): chr11:17,428,360, G>A on the plus strand (C>T on the coding strand, the complement: ABCC8 is on the minus strand). VCF-style: chr11-17428360-G-A. GRCh37 (hg19) VCF-style: chr11-17449907-G-A.
Other names: c.1969C>T (NM_000352.3, NM_000352.5); c.1969C>T, p.Arg657Trp (NM_001287174.3); c.2035C>T, p.Arg679Trp (NM_001351295.2); c.1966C>T, p.Arg656Trp (NM_001351296.2, NM_001351297.2); short protein forms R656W, R657W, R679W.
Identifiers: ClinVar variation 1678603 (VCV001678603.6), dbSNP rs778117119, ClinGen allele CA5903362.

ClinVar aggregate classification (germline): Conflicting classifications of pathogenicity. Review status: criteria provided, conflicting classifications (1 of 4 stars). 5 submissions from 5 submitters: Uncertain significance (4); Likely benign (1). Last evaluated 2025-06-13.

Conditions:
Inborn genetic diseases. Identifiers: MedGen C0950123, MeSH D030342.
Leucine-induced hypoglycemia (LIH). Also called: LEUCINE-SENSITIVE HYPOGLYCEMIA OF INFANCY. Identifiers: MedGen C0271714, MONDO:0009415, OMIM 240800.
Type 2 diabetes mellitus. Also called: Type II diabetes mellitus. Identifiers: MedGen C0011860, MeSH D003924, MONDO:0005148, OMIM 125853, HP:0005978.

Allele frequency attached by ClinVar (database versions not stated): gnomAD 0.00001; TOPMed 0.00002; gnomAD exomes 0.00003 and 0.00005; ExAC 0.00006.
gnomAD v4.1: 73 of 1,614,010 alleles (0.0045%); highest among the groups gnomAD compares: Middle Eastern, 0.033%; no homozygotes.

Submissions (5):

Ambry Genetics
Classification: Likely benign for Inborn genetic diseases. Last evaluated: 2025-06-13. Review status: criteria provided, single submitter. Criteria: Ambry Variant Classification Scheme 2023. Collection method: clinical testing. Allele origin: germline.

Labcorp Genetics (formerly Invitae), Labcorp
Classification: Uncertain significance. Last evaluated: 2024-11-11. Review status: criteria provided, single submitter. Criteria: Invitae Variant Classification Sherloc (09022015). Collection method: clinical testing. Allele origin: germline.
Comment: This sequence change replaces arginine, which is basic and polar, with tryptophan, which is neutral and slightly polar, at codon 657 of the ABCC8 protein (p.Arg657Trp). This variant is present in population databases (rs778117119, gnomAD 0.006%). This variant has not been reported in the literature in individuals affected with ABCC8-related conditions. ClinVar contains an entry for this variant (Variation ID: 1678603). Invitae Evidence Modeling of protein sequence and biophysical properties (such as structural, functional, and spatial information, amino acid conservation, physicochemical variation, residue mobility, and thermodynamic stability) indicates that this missense variant is not expected to disrupt ABCC8 protein function with a negative predictive value of 95%. In summary, the available evidence is currently insufficient to determine the role of this variant in disease. Therefore, it has been classified as a Variant of Uncertain Significance.

Revvity Omics, Revvity
Classification: Uncertain significance. Last evaluated: 2023-11-07. Review status: criteria provided, single submitter. Criteria: ACMG Guidelines, 2015. Collection method: clinical testing. Allele origin: germline.

Pittsburgh Clinical Genomics Laboratory, University of Pittsburgh Medical Center
Classification: Uncertain significance for Leucine-induced hypoglycemia. Last evaluated: 2022-11-11. Review status: criteria provided, single submitter. Criteria: ACMG Guidelines, 2015. Collection method: clinical testing. Allele origin: germline. Inheritance: Autosomal unknown. Affected: yes.
Comment: This sequence variant is a single nucleotide substitution (C>T) at coding position 1969 of the ABCC8 gene that results in an arginine to tryptophan amino acid change at residue 657 of the ABCC8 protein. This is a previously reported variant (ClinVar) that has not been observed in individuals with ABCC8-related illness in the literature, to our knowledge. This variant is present in the gnomAD population database (8 of 251000 alleles or 0.003%). Multiple bioinformatic tools predict that this variant would be tolerated, and the Arg657 residue is not well conserved among the primate species examined. Functiol studies testing the effect of this variant have not been performed, to our knowledge. At this time, there is insufficient evidence to determine if this variant is pathogenic or benign. Therefore, we consider this to be a variant of uncertain significance. ACMG Criteria: BP4, PM2

Molecular Genetics, Royal Melbourne Hospital
Classification: Uncertain significance for Type 2 diabetes mellitus. Last evaluated: 2021-10-04. Review status: criteria provided, single submitter. Criteria: ACMG Guidelines, 2015. Collection method: clinical testing. Allele origin: germline. Affected: yes.
Comment: This sequence change is predicted to replace arginine with tryptophan at codon 657 of the ABCC8 protein (p.(Arg657Trp)). The arginine residue is not conserved, with tryptophan present in multiple primates (100 vertebrates, UCSC), and is not located in a known functional domain. There is a large physicochemical difference between arginine and tryptophan. The variant is present in a European (non-Finnish) population cohort at a frequency of 0.006% (rs778117119, 7/113,442 alleles, 0 homozygotes in gnomAD v2.1), and has not been reported in the relevant medical literature or databases. Multiple lines of computational evidence predict a benign effect for the missense substitution (BP4; 5/6 algorithms). Based on the classification scheme RMH ACMG Guidelines v1.2.1, this variant is classified as a VARIANT OF UNCERTAIN SIGNIFICANCE. Following criteria are met: BP4.